The following is an entry in ClinVar:

NM_001367857.2(SATL1):c.1693+6G>A

Gene: SATL1 (spermidine/spermine N1-acetyl transferase like 1; minus strand). Cytogenetic location: Xq21.1.
Variant type: single nucleotide variant.
Coding change: c.1693+6G>A on transcript NM_001367857.2 (MANE Select); 6 bases into the intron after coding-DNA position 1693, G replaced by A.
Molecular consequence: intron variant.
Genome position (GRCh38, 1-based): chrX:85,103,858, C>T on the plus strand (G>A on the coding strand, the complement: SATL1 is on the minus strand). VCF-style: chrX-85103858-C-T. GRCh37 (hg19) VCF-style: chrX-84358864-C-T.
Other names: c.1693+6G>A (NM_001367858.2, NM_001012980.2).
Identifiers: ClinVar variation 3059876 (VCV003059876.2), dbSNP rs5922146, ClinGen allele CA10464279.

ClinVar aggregate classification (germline): Benign (0 of 4 stars; one submission).

Conditions:
SATL1-related disorder. Also called: SATL1-related condition.

Allele frequency attached by ClinVar (database versions not stated): ExAC 0.71958; TOPMed 0.74612; ESP Exome Variant Server 0.74922; 1000 Genomes Project 0.78649; 1000 Genomes Project 30x 0.79022.

Submission:

PreventionGenetics, part of Exact Sciences
Classification: Benign for SATL1-related condition. Last evaluated: 2019-10-16. Review status: no assertion criteria provided. Collection method: clinical testing. Allele origin: germline.
Comment: This variant is classified as benign based on ACMG/AMP sequence variant interpretation guidelines (Richards et al. 2015 PMID: 25741868, with internal and published modifications).